The following is an entry in ClinVar:

ClinVar aggregate classification (germline): Uncertain significance (1 of 4 stars; one submission).

Submission:

Labcorp Genetics (formerly Invitae), Labcorp
Classification: Uncertain significance. Last evaluated: 2022-07-19. Review status: criteria provided, single submitter. Criteria: Invitae Variant Classification Sherloc (09022015). Collection method: clinical testing. Allele origin: germline.
Comment: In summary, the available evidence is currently insufficient to determine the role of this variant in disease. Therefore, it has been classified as a Variant of Uncertain Significance. Algorithms developed to predict the effect of missense changes on protein structure and function (SIFT, PolyPhen-2, Align-GVGD) all suggest that this variant is likely to be tolerated. ClinVar contains an entry for this variant (Variation ID: 1426584). This variant has not been reported in the literature in individuals affected with EYS-related conditions. This variant is not present in population databases (gnomAD no frequency). This sequence change replaces leucine, which is neutral and non-polar, with phenylalanine, which is neutral and non-polar, at codon 1929 of the EYS protein (p.Leu1929Phe).

NM_001142800.2(EYS):c.5787A>C (p.Leu1929Phe)

Gene: EYS (EGF-like photoreceptor maintenance factor; minus strand). Cytogenetic location: 6q12.
Variant type: single nucleotide variant.
Coding change: c.5787A>C on transcript NM_001142800.2 (MANE Select); coding-DNA position 5787, A replaced by C.
Protein change: p.Leu1929Phe; replaces leucine 1929 with phenylalanine.
Molecular consequence: missense variant.
Genome position (GRCh38, 1-based): chr6:64,439,210, T>G on the plus strand (A>C on the coding strand, the complement: EYS is on the minus strand). VCF-style: chr6-64439210-T-G. GRCh37 (hg19) VCF-style: chr6-65149103-T-G.
Other names: c.5787A>C, p.Leu1929Phe (NM_001292009.2); short protein forms L1929F.
Identifiers: ClinVar variation 1426584 (VCV001426584.8), dbSNP rs2150466343, ClinGen allele CA364392607.